The following is an entry in ClinVar:

NM_003590.5(CUL3):c.1749del (p.Gly584fs)

Gene: CUL3 (cullin 3; minus strand). Cytogenetic location: 2q36.2.
Variant type: Deletion.
Coding change: c.1749del on transcript NM_003590.5 (MANE Select); coding-DNA position 1749, one base deleted (T; older notation c.1749delT).
Protein change: p.Gly584fs; shifts the reading frame from glycine 584.
Molecular consequence: frameshift variant.
Genome position (GRCh38, 1-based): chr2:224,495,925, A deleted on the plus strand (T on the coding strand, the reverse complement: CUL3 is on the minus strand). VCF-style (leftmost placement, unchanged base first): chr2-224495924-CA-C. GRCh37 (hg19) VCF-style: chr2-225360641-CA-C.
Other names: c.1551del, p.Gly518fs (NM_001257197.2); c.1767del, p.Gly590fs (NM_001257198.2); short protein forms G518fs, G584fs, G590fs.
Identifiers: ClinVar variation 4879551 (VCV004879551.1).

ClinVar aggregate classification (germline): Likely pathogenic (1 of 4 stars; one submission).

Conditions:
Neurodevelopmental disorder with or without autism or seizures (NEDAUS). Identifiers: MedGen C5543225, MONDO:0030994, OMIM 619239.

Submission:

Clinical Genomics Laboratory, Washington University in St. Louis
Classification: Likely pathogenic for Neurodevelopmental disorder with or without autism or seizures. Last evaluated: 2025-12-23. Review status: criteria provided, single submitter. Criteria: ACMG Guidelines, 2015. Collection method: clinical testing. Allele origin: germline. Affected: yes.
Comment: The CUL3 c.1749del (p.Gly584Argfs*16) variant, to our knowledge, has not been reported in the medical literature. This variant is absent from the general population (gnomAD v4.1.0), indicating it is not a common variant. This variant causes a frameshift by deleting a single nucleotide, leading to a premature termination codon, which is predicted to lead to nonsense mediated decay. Based on available information and the ACMG/AMP guidelines for variant interpretation (Richards S et al., PMID: 25741868), this variant is classified as likely pathogenic.